The following is an entry in ClinVar:

NM_199420.4(POLQ):c.4069A>G (p.Ser1357Gly)

Gene: POLQ (DNA polymerase theta; minus strand). Cytogenetic location: 3q13.33.
Variant type: single nucleotide variant.
Coding change: c.4069A>G on transcript NM_199420.4 (MANE Select); coding-DNA position 4069, A replaced by G.
Protein change: p.Ser1357Gly; replaces serine 1357 with glycine.
Molecular consequence: missense variant.
Genome position (GRCh38, 1-based): chr3:121,488,862, T>C on the plus strand (A>G on the coding strand, the complement: POLQ is on the minus strand). VCF-style: chr3-121488862-T-C. GRCh37 (hg19) VCF-style: chr3-121207709-T-C.
Other names: short protein forms S1357G.
Identifiers: ClinVar variation 3422490 (VCV003422490.1).
Genomic context (GRCh38, chr3:121,488,862, plus strand): 5'-CAGGAAAAGGAATGTGACACTCCTTCTGAAAAGAGTTCATTGAGTTCTGTTGGACTAAGC[T>C]CTTCTGCATTATCCCTGCTGCCAGGTTGGTGTCCTTTGCTCCTAGTTTGGCATTTTCAGT-3'
Protein context (NP_955452.3, residues 1347-1367): TNLAAGIMQK[Ser1357Gly]LVQQNSMNSF

ClinVar aggregate classification (germline): Uncertain significance (1 of 4 stars; one submission).

Submission:

Ambry Genetics
Classification: Uncertain significance. Last evaluated: 2024-08-11. Review status: criteria provided, single submitter. Criteria: Ambry Variant Classification Scheme 2023. Collection method: clinical testing. Allele origin: germline.
Comment: The p.S1357G variant (also known as c.4069A>G), located in coding exon 16 of the POLQ gene, results from an A to G substitution at nucleotide position 4069. The serine at codon 1357 is replaced by glycine, an amino acid with similar properties. This amino acid position is conserved. In addition, this alteration is predicted to be tolerated by in silico analysis. Based on the available evidence, the clinical significance of this variant remains unclear.